The following is an entry in ClinVar:

NM_001244926.2(PRPF4):c.4G>A (p.Ala2Thr)

Gene: PRPF4 (pre-mRNA splicing tri-snRNP complex factor PRPF4; plus strand). Cytogenetic location: 9q32.
Variant type: single nucleotide variant.
Coding change: c.4G>A on transcript NM_001244926.2 (MANE Select); coding-DNA position 4, G replaced by A.
Protein change: p.Ala2Thr; replaces alanine 2 with threonine.
Molecular consequence: missense variant. On other transcripts: 5 prime UTR variant (2), non-coding transcript variant (2).
Genome position (GRCh38, 1-based): chr9:113,275,747, G>A. VCF-style: chr9-113275747-G-A. GRCh37 (hg19) VCF-style: chr9-116038027-G-A.
Other names: c.-762G>A (NM_001322266.2); c.-765G>A (NM_001322267.2); c.4G>A, p.Ala2Thr (NM_004697.5); short protein forms A2T.
Identifiers: ClinVar variation 1059544 (VCV001059544.9), dbSNP rs748886389, ClinGen allele CA5194749.
Genomic context (GRCh38, chr9:113,275,747, plus strand): 5'-ACGGTCTGAAAGGGAGTGTTCGGGTTTCGCTGGGGCCTCGCGGCTCCAGAGCCCAGCATG[G>A]CTTCCTCGCGAGCCTCTTCCACGGTACAGAGCCCGGGATCCCAGCTCACTCTGGCAGGGA-3'
Protein context (NP_001231855.1, residues 1-12): M[Ala2Thr]SSRASSTATK

ClinVar aggregate classification (germline): Uncertain significance (1 of 4 stars; one submission).

Allele frequency attached by ClinVar (database versions not stated): gnomAD exomes below 0.00001; ExAC 0.00001.
gnomAD v4.1: 2 of 1,611,972 alleles (0.00012%); highest among the groups gnomAD compares: South Asian, 0.0022%; no homozygotes.

Submission:

Labcorp Genetics (formerly Invitae), Labcorp
Classification: Uncertain significance. Last evaluated: 2020-03-03. Review status: criteria provided, single submitter. Criteria: Invitae Variant Classification Sherloc (09022015). Collection method: clinical testing. Allele origin: germline.
Comment: In summary, the available evidence is currently insufficient to determine the role of this variant in disease. Therefore, it has been classified as a Variant of Uncertain Significance. Algorithms developed to predict the effect of missense changes on protein structure and function are either unavailable or do not agree on the potential impact of this missense change (SIFT: "Deleterious"; PolyPhen-2: "Benign"; Align-GVGD: "Class C0"). This variant has not been reported in the literature in individuals with PRPF4-related conditions. This variant is present in population databases (rs748886389, ExAC 0.006%). This sequence change replaces alanine with threonine at codon 2 of the PRPF4 protein (p.Ala2Thr). The alanine residue is weakly conserved and there is a small physicochemical difference between alanine and threonine.